The following is an entry in ClinVar:

NM_001866.3(COX7B):c.140C>T (p.Thr47Ile)

Gene: COX7B (cytochrome c oxidase subunit 7B; plus strand). Cytogenetic location: Xq21.1.
Variant type: single nucleotide variant.
Coding change: c.140C>T on transcript NM_001866.3 (MANE Select); coding-DNA position 140, C replaced by T.
Protein change: p.Thr47Ile; replaces threonine 47 with isoleucine.
Molecular consequence: missense variant.
Genome position (GRCh38, 1-based): chrX:77,902,742, C>T. VCF-style: chrX-77902742-C-T. GRCh37 (hg19) VCF-style: chrX-77158239-C-T.
Other names: short protein forms T47I.
Identifiers: ClinVar variation 2764680 (VCV002764680.3), dbSNP rs781928139, ClinGen allele CA413715465.

ClinVar aggregate classification (germline): Uncertain significance (1 of 4 stars; one submission).

Submission:

Labcorp Genetics (formerly Invitae), Labcorp
Classification: Uncertain significance. Last evaluated: 2023-09-30. Review status: criteria provided, single submitter. Criteria: Invitae Variant Classification Sherloc (09022015). Collection method: clinical testing. Allele origin: germline.
Comment: This sequence change replaces threonine, which is neutral and polar, with isoleucine, which is neutral and non-polar, at codon 47 of the COX7B protein (p.Thr47Ile). This variant is not present in population databases (gnomAD no frequency). This variant has not been reported in the literature in individuals affected with COX7B-related conditions. Algorithms developed to predict the effect of missense changes on protein structure and function output the following: SIFT: "Not Available"; PolyPhen-2: "Benign"; Align-GVGD: "Not Available". The isoleucine amino acid residue is found in multiple mammalian species, which suggests that this missense change does not adversely affect protein function. In summary, the available evidence is currently insufficient to determine the role of this variant in disease. Therefore, it has been classified as a Variant of Uncertain Significance.